The following is an entry in ClinVar:

NM_015650.4(TRAF3IP1):c.920C>T (p.Ala307Val)

Gene: TRAF3IP1 (TRAF3 interacting protein 1; plus strand). Cytogenetic location: 2q37.3.
Variant type: single nucleotide variant.
Coding change: c.920C>T on transcript NM_015650.4 (MANE Select); coding-DNA position 920, C replaced by T.
Protein change: p.Ala307Val; replaces alanine 307 with valine.
Molecular consequence: missense variant.
Genome position (GRCh38, 1-based): chr2:238,332,828, C>T. VCF-style: chr2-238332828-C-T. GRCh37 (hg19) VCF-style: chr2-239241469-C-T.
Other names: c.920C>T, p.Ala307Val (NM_001139490.1); short protein forms A307V.
Identifiers: ClinVar variation 1493954 (VCV001493954.6), dbSNP rs139770539, ClinGen allele CA351247835.
Genomic context (GRCh38, chr2:238,332,828, plus strand): 5'-TTAGATATTATGGATTGGAATAATTCTAAAGTTTGAATTTTTTTTTTTTTTAATAGTCAG[C>T]AAGCTCAGGGGAGATGTCTAAAAAGTTATCAGATGGAACTTTTAAAGACTCCAAGGCTGA-3'
Protein context (NP_056465.2, residues 297-317): REHDKPEKKS[Ala307Val]SSGEMSKKLS

ClinVar aggregate classification (germline): Uncertain significance (1 of 4 stars; one submission).

Submission:

Labcorp Genetics (formerly Invitae), Labcorp
Classification: Uncertain significance. Last evaluated: 2020-11-04. Review status: criteria provided, single submitter. Criteria: Invitae Variant Classification Sherloc (09022015). Collection method: clinical testing. Allele origin: germline.
Comment: In summary, the available evidence is currently insufficient to determine the role of this variant in disease. Therefore, it has been classified as a Variant of Uncertain Significance. Algorithms developed to predict the effect of sequence changes on RNA splicing suggest that this variant may create or strengthen a splice site, but this prediction has not been confirmed by published transcriptional studies. Algorithms developed to predict the effect of missense changes on protein structure and function are either unavailable or do not agree on the potential impact of this missense change (SIFT: "Tolerated"; PolyPhen-2: "Possibly Damaging"; Align-GVGD: "Class C0"). This variant has not been reported in the literature in individuals with TRAF3IP1-related conditions. This variant is not present in population databases (ExAC no frequency). This sequence change replaces alanine with valine at codon 307 of the TRAF3IP1 protein (p.Ala307Val). The alanine residue is weakly conserved and there is a small physicochemical difference between alanine and valine.